The following is an entry in ClinVar:

ClinVar aggregate classification (germline): Uncertain significance. Review status: criteria provided, multiple submitters, no conflicts (2 of 4 stars). 2 submissions from 2 submitters: Uncertain significance (2). Last evaluated 2026-02-03.

Conditions:
Epilepsy, childhood absence, susceptibility to, 1. Also called: Epilepsy, childhood absence 1. Identifiers: Orphanet 64280, MedGen C1838604, MONDO:0020759, OMIM 600131.
Epilepsy, childhood absence, susceptibility to, 5. Identifiers: Orphanet 64280, MedGen C2677087, MONDO:0012843, OMIM 612269.

Allele frequency attached by ClinVar (database versions not stated): gnomAD exomes below 0.00001.
gnomAD v4.1: 1 of 1,612,552 alleles (0.000062%); highest among the groups gnomAD compares: Non-Finnish European, 0.000085%; no homozygotes.

Submissions (2):

Labcorp Genetics (formerly Invitae), Labcorp
Classification: Uncertain significance for Epilepsy, childhood absence, susceptibility to, 5; Epilepsy, childhood absence, susceptibility to, 1. Last evaluated: 2026-02-03. Review status: criteria provided, single submitter. Criteria: Invitae Variant Classification Sherloc (09022015). Collection method: clinical testing. Allele origin: germline.
Comment: This sequence change falls in intron 8 of the GABRB3 gene. It does not directly change the encoded amino acid sequence of the GABRB3 protein. This variant is not present in population databases (gnomAD no frequency). This variant has not been reported in the literature in individuals affected with GABRB3-related conditions. ClinVar contains an entry for this variant (Variation ID: 2947733). Algorithms developed to predict the effect of sequence changes on RNA splicing suggest that this variant may disrupt the consensus splice site. In summary, the available evidence is currently insufficient to determine the role of this variant in disease. Therefore, it has been classified as a Variant of Uncertain Significance.

Blueprint Genetics
Classification: Uncertain significance. Last evaluated: 2022-02-16. Review status: criteria provided, single submitter. Criteria: ACMG Guidelines, 2015. Collection method: clinical testing. Allele origin: germline.

NM_000814.6(GABRB3):c.1081-5A>G

Gene: GABRB3 (gamma-aminobutyric acid type A receptor subunit beta3; minus strand). Cytogenetic location: 15q12.
Variant type: single nucleotide variant.
Coding change: c.1081-5A>G on transcript NM_000814.6 (MANE Select); 5 bases into the intron before coding-DNA position 1081, A replaced by G.
Molecular consequence: intron variant.
Genome position (GRCh38, 1-based): chr15:26,548,139, T>C on the plus strand (A>G on the coding strand, the complement: GABRB3 is on the minus strand). VCF-style: chr15-26548139-T-C. GRCh37 (hg19) VCF-style: chr15-26793286-T-C.
Other names: c.1081-5A>G (NM_021912.5); c.826-5A>G (NM_001278631.2, NM_001191320.2); c.868-5A>G (NM_001191321.3).
Identifiers: ClinVar variation 2947733 (VCV002947733.4), dbSNP rs2504115487, ClinGen allele CA2627353373.